The following is an entry in ClinVar:

NM_007214.5(SEC63):c.1936-13_1936-9dup

Gene: SEC63 (SEC63 homolog, protein translocation regulator; minus strand). Cytogenetic location: 6q21.
Variant type: Duplication.
Coding change: c.1936-13_1936-9dup on transcript NM_007214.5 (MANE Select); 13 bases into the intron before coding-DNA position 1936 through 9 bases into the intron before coding-DNA position 1936, 5 bases duplicated (TTTTT; older notation c.1936-13_1936-9dupTTTTT).
Molecular consequence: intron variant.
Genome position (GRCh38, 1-based): chr6:107,876,671-107,876,675, AAAAA duplicated on the plus strand (TTTTT on the coding strand, the reverse complement: SEC63 is on the minus strand); duplicating any 5 consecutive bases within chr6:107,876,671-107,876,689 gives the same sequence; the c. name uses the placement nearest the transcript's 3' end. VCF-style (leftmost placement, unchanged base first): chr6-107876670-C-CAAAAA. GRCh37 (hg19) VCF-style: chr6-108197874-C-CAAAAA.
Identifiers: ClinVar variation 3039555 (VCV003039555.2), dbSNP rs749125299, ClinGen allele CA816962648.

ClinVar aggregate classification (germline): Likely benign (0 of 4 stars; one submission).

Conditions:
SEC63-related disorder. Also called: SEC63-related condition.

Submission:

PreventionGenetics, part of Exact Sciences
Classification: Likely benign for SEC63-related condition. Last evaluated: 2019-10-28. Review status: no assertion criteria provided. Collection method: clinical testing. Allele origin: germline.
Comment: This variant is classified as likely benign based on ACMG/AMP sequence variant interpretation guidelines (Richards et al. 2015 PMID: 25741868, with internal and published modifications).